The following is an entry in ClinVar:

ClinVar aggregate classification (germline): Uncertain significance. Review status: criteria provided, multiple submitters, no conflicts (2 of 4 stars). 2 submissions from 2 submitters: Uncertain significance (2). Last evaluated 2022-06-28.

Allele frequency attached by ClinVar (database versions not stated): gnomAD 0.00002; TOPMed 0.00002.
gnomAD v4.1: 27 of 1,613,368 alleles (0.0017%); highest among the groups gnomAD compares: East Asian, 0.0022%; no homozygotes.

Submissions (2):

Labcorp Genetics (formerly Invitae), Labcorp
Classification: Uncertain significance. Last evaluated: 2022-06-28. Review status: criteria provided, single submitter. Criteria: Invitae Variant Classification Sherloc (09022015). Collection method: clinical testing. Allele origin: germline.
Comment: This sequence change replaces arginine, which is basic and polar, with cysteine, which is neutral and slightly polar, at codon 66 of the COQ8B protein (p.Arg66Cys). This variant is present in population databases (rs373891229, gnomAD 0.006%). This variant has not been reported in the literature in individuals affected with COQ8B-related conditions. ClinVar contains an entry for this variant (Variation ID: 1315038). Algorithms developed to predict the effect of missense changes on protein structure and function are either unavailable or do not agree on the potential impact of this missense change (SIFT: "Deleterious"; PolyPhen-2: "Possibly Damaging"; Align-GVGD: "Class C0"). In summary, the available evidence is currently insufficient to determine the role of this variant in disease. Therefore, it has been classified as a Variant of Uncertain Significance.

GeneDx
Classification: Uncertain significance. Last evaluated: 2020-01-30. Review status: criteria provided, single submitter. Criteria: GeneDx Variant Classification Process June 2021. Collection method: clinical testing. Allele origin: germline. Affected: yes.
Comment: Has not been previously published as pathogenic or benign to our knowledge; Not observed at a significant frequency in large population cohorts (Lek et al., 2016); In silico analysis, which includes protein predictors and evolutionary conservation, supports a deleterious effect

NM_024876.4(COQ8B):c.196C>T (p.Arg66Cys)

Gene: COQ8B (coenzyme Q8B; minus strand). Cytogenetic location: 19q13.2.
Variant type: single nucleotide variant.
Coding change: c.196C>T on transcript NM_024876.4 (MANE Select); coding-DNA position 196, C replaced by T.
Protein change: p.Arg66Cys; replaces arginine 66 with cysteine.
Molecular consequence: missense variant.
Genome position (GRCh38, 1-based): chr19:40,714,304, G>A on the plus strand (C>T on the coding strand, the complement: COQ8B is on the minus strand). VCF-style: chr19-40714304-G-A. GRCh37 (hg19) VCF-style: chr19-41220209-G-A.
Other names: c.196C>T, p.Arg66Cys (NM_001142555.3); short protein forms R66C.
Identifiers: ClinVar variation 1315038 (VCV001315038.6), dbSNP rs373891229, ClinGen allele CA9450520.